The following is an entry in ClinVar:

ClinVar aggregate classification (germline): Pathogenic (1 of 4 stars; one submission).

Conditions:
Tuberous sclerosis 2 (TSC2). Identifiers: Orphanet 805, MedGen C1860707, MONDO:0013199, OMIM 613254.

Submission:

Labcorp Genetics (formerly Invitae), Labcorp
Classification: Pathogenic for Tuberous sclerosis 2. Last evaluated: 2021-12-29. Review status: criteria provided, single submitter. Criteria: Invitae Variant Classification Sherloc (09022015). Collection method: clinical testing. Allele origin: germline.
Comment: For these reasons, this variant has been classified as Pathogenic. ClinVar contains an entry for this variant (Variation ID: 579552). This variant has not been reported in the literature in individuals affected with TSC2-related conditions. This variant is not present in population databases (gnomAD no frequency). This sequence change creates a premature translational stop signal (p.Leu116Trpfs*66) in the TSC2 gene. It is expected to result in an absent or disrupted protein product. Loss-of-function variants in TSC2 are known to be pathogenic (PMID: 10205261, 17304050).

Literature cited by the submitters: PubMed 10205261; PubMed 17304050.

NM_000548.5(TSC2):c.347del (p.Leu116fs)

Gene: TSC2 (TSC complex subunit 2; plus strand). Cytogenetic location: 16p13.3.
Variant type: Deletion.
Coding change: c.347del on transcript NM_000548.5 (MANE Select); coding-DNA position 347, one base deleted (T; older notation c.347delT).
Protein change: p.Leu116fs; shifts the reading frame from leucine 116.
Molecular consequence: frameshift variant. On other transcripts: intron variant (1).
Genome position (GRCh38, 1-based): chr16:2,054,306, T deleted; the last of 3 consecutive T bases (chr16:2,054,304-2,054,306); deleting any one gives the same sequence. VCF-style (leftmost placement, unchanged base first): chr16-2054303-GT-G. GRCh37 (hg19) VCF-style: chr16-2104304-GT-G.
Other names: c.347del, p.Leu116fs (NM_021055.3, NM_001077183.3, NM_001114382.3 and 3 more transcripts); c.-1-1890del (NM_001318831.2); c.236del, p.Leu79fs (NM_001318827.2); c.200del, p.Leu67fs (NM_001318829.2); c.380del, p.Leu127fs (NM_001318832.2); short protein forms L67fs, L116fs, L127fs, L79fs.
Identifiers: ClinVar variation 579552 (VCV000579552.6), dbSNP rs1567398983, ClinGen allele CA891844144.